The following is an entry in ClinVar:

ClinVar aggregate classification (germline): Uncertain significance. Review status: criteria provided, multiple submitters, no conflicts (2 of 4 stars). 3 submissions from 3 submitters: Uncertain significance (3). Last evaluated 2025-08-13.

Conditions:
Inborn genetic diseases. Identifiers: MedGen C0950123, MeSH D030342.
Vici syndrome (VICIS). Identifiers: Orphanet 1493, MedGen C1855772, MONDO:0009452, OMIM 242840.

Allele frequency attached by ClinVar (database versions not stated): gnomAD 0.00004 and 0.00005; gnomAD exomes 0.00004; ExAC 0.00005; TOPMed 0.00008; ESP Exome Variant Server 0.00025.
gnomAD v4.1: 183 of 1,553,162 alleles (0.012%); highest among the groups gnomAD compares: Non-Finnish European, 0.015%; no homozygotes.

Submissions (3):

Ambry Genetics
Classification: Uncertain significance for Inborn genetic diseases. Last evaluated: 2025-08-13. Review status: criteria provided, single submitter. Criteria: Ambry Variant Classification Scheme 2023. Collection method: clinical testing. Allele origin: germline.

Blueprint Genetics
Classification: Uncertain significance. Last evaluated: 2024-10-04. Review status: criteria provided, single submitter. Criteria: ACMG Guidelines, 2015. Collection method: clinical testing. Allele origin: germline.

Labcorp Genetics (formerly Invitae), Labcorp
Classification: Uncertain significance for Vici syndrome. Last evaluated: 2024-01-29. Review status: criteria provided, single submitter. Criteria: Invitae Variant Classification Sherloc (09022015). Collection method: clinical testing. Allele origin: germline.
Comment: This sequence change replaces tryptophan, which is neutral and slightly polar, with leucine, which is neutral and non-polar, at codon 901 of the EPG5 protein (p.Trp901Leu). This variant is present in population databases (rs201315023, gnomAD 0.006%). This variant has not been reported in the literature in individuals affected with EPG5-related conditions. ClinVar contains an entry for this variant (Variation ID: 855762). Advanced modeling of protein sequence and biophysical properties (such as structural, functional, and spatial information, amino acid conservation, physicochemical variation, residue mobility, and thermodynamic stability) performed at Invitae indicates that this missense variant is expected to disrupt EPG5 protein function with a positive predictive value of 80%. In summary, the available evidence is currently insufficient to determine the role of this variant in disease. Therefore, it has been classified as a Variant of Uncertain Significance.

NM_020964.3(EPG5):c.2702G>T (p.Trp901Leu)

Gene: EPG5 (ectopic P-granules 5 autophagy tethering factor; minus strand). Cytogenetic location: 18q21.1.
Variant type: single nucleotide variant.
Coding change: c.2702G>T on transcript NM_020964.3 (MANE Select); coding-DNA position 2702, G replaced by T.
Protein change: p.Trp901Leu; replaces tryptophan 901 with leucine.
Molecular consequence: missense variant.
Genome position (GRCh38, 1-based): chr18:45,925,754, C>A on the plus strand (G>T on the coding strand, the complement: EPG5 is on the minus strand). VCF-style: chr18-45925754-C-A. GRCh37 (hg19) VCF-style: chr18-43505720-C-A.
Other names: short protein forms W901L.
Identifiers: ClinVar variation 855762 (VCV000855762.9), dbSNP rs201315023, ClinGen allele CA8949365.